The following is an entry in ClinVar:

NM_201384.3(PLEC):c.4249A>G (p.Ser1417Gly)

Gene: PLEC (plectin; minus strand). Cytogenetic location: 8q24.3.
Variant type: single nucleotide variant.
Coding change: c.4249A>G on transcript NM_201384.3 (MANE Select); coding-DNA position 4249, A replaced by G.
Protein change: p.Ser1417Gly; replaces serine 1417 with glycine.
Molecular consequence: missense variant. On other transcripts: intron variant (1).
Genome position (GRCh38, 1-based): chr8:143,925,680, T>C on the plus strand (A>G on the coding strand, the complement: PLEC is on the minus strand). VCF-style: chr8-143925680-T-C. GRCh37 (hg19) VCF-style: chr8-144999848-T-C.
Other names: c.4330A>G, p.Ser1444Gly (NM_000445.5); c.4207A>G, p.Ser1403Gly (NM_201378.4); c.4183A>G, p.Ser1395Gly (NM_201379.3); c.4660A>G, p.Ser1554Gly (NM_201380.4); c.4153A>G, p.Ser1385Gly (NM_201381.3); c.4249A>G, p.Ser1417Gly (NM_201382.4); c.4261A>G, p.Ser1421Gly (NM_201383.3); c.4125+1104A>G (NM_001410941.1); short protein forms S1417G, S1444G, S1385G, S1395G, S1403G, S1421G, S1554G.
Identifiers: ClinVar variation 4782802 (VCV004782802.1).
Genomic context (GRCh38, chr8:143,925,680, plus strand): 5'-CCTTGGCCTGGATCTCCGCCTCCGAGCTCTGCCGCAGCTGCTGCAGCTCCTCCTGAATGC[T>C]GCGCTTCTGCTGCTGCGCGTCCACCGCCGCCTCCTCCCGCCGCACCACCTCCTCCTGCAT-3'
Protein context (NP_958786.1, residues 1407-1427): AAVDAQQQKR[Ser1417Gly]IQEELQQLRQ

ClinVar aggregate classification (germline): Uncertain significance (1 of 4 stars; one submission).

Conditions:
Epidermolysis bullosa simplex with nail dystrophy (EBS5D). Identifiers: MedGen C4225309, MONDO:0014661, OMIM 616487.
Epidermolysis bullosa simplex, Ogna type (EBS5A). Also called: Pidermolysis bullosa simplex 5A, Ogna type; EPIDERMOLYSIS BULLOSA SIMPLEX 5A, OGNA TYPE. Identifiers: Orphanet 79401, MedGen C0432317, MONDO:0007555, OMIM 131950.
Epidermolysis bullosa simplex 5B, with muscular dystrophy (EBS5B). Also called: Epidermolysis bullosa simplex with muscular dystrophy; EPIDERMOLYSIS BULLOSA SIMPLEX AND LIMB-GIRDLE MUSCULAR DYSTROPHY. Identifiers: Orphanet 257, MedGen C2931072, MONDO:0009181, OMIM 226670.
Autosomal recessive limb-girdle muscular dystrophy type 2Q (LGMDR17). Also called: MUSCULAR DYSTROPHY, LIMB-GIRDLE, AUTOSOMAL RECESSIVE 17. Identifiers: Orphanet 254361, MedGen C3150989, MONDO:0013390, OMIM 613723.
Epidermolysis bullosa simplex 5C, with pyloric atresia (EBS5C). Also called: PLEC-Related Epidermolysis Bullosa with Pyloric Atresia; Epidermolysis bullosa simplex with pyloric atresia; PLEC1-Related Epidermolysis Bullosa with Pyloric Atresia. Identifiers: Orphanet 158684, MedGen C2677349, MONDO:0012807, OMIM 612138.

gnomAD v4.1: 12 of 1,591,178 alleles (0.00075%); highest among the groups gnomAD compares: Middle Eastern, 0.033%; no homozygotes.

Submission:

Labcorp Genetics (formerly Invitae), Labcorp
Classification: Uncertain significance for Autosomal recessive limb-girdle muscular dystrophy type 2Q; Epidermolysis bullosa simplex, Ogna type; Epidermolysis bullosa simplex with nail dystrophy; Epidermolysis bullosa simplex 5C, with pyloric atresia; Epidermolysis bullosa simplex 5B, with muscular dystrophy. Last evaluated: 2025-11-24. Review status: criteria provided, single submitter. Criteria: Invitae Variant Classification Sherloc (09022015). Collection method: clinical testing. Allele origin: germline.
Comment: This sequence change replaces serine, which is neutral and polar, with glycine, which is neutral and non-polar, at codon 1444 of the PLEC protein (p.Ser1444Gly). This variant is not present in population databases (gnomAD no frequency). This variant has not been reported in the literature in individuals affected with PLEC-related conditions. Invitae Evidence Modeling of protein sequence and biophysical properties (such as structural, functional, and spatial information, amino acid conservation, physicochemical variation, residue mobility, and thermodynamic stability) indicates that this missense variant is not expected to disrupt PLEC protein function with a negative predictive value of 80%. In summary, the available evidence is currently insufficient to determine the role of this variant in disease. Therefore, it has been classified as a Variant of Uncertain Significance.